The following is an entry in ClinVar:

NM_015662.3(IFT172):c.4335T>C (p.Tyr1445=)

Gene: IFT172 (intraflagellar transport 172; minus strand). Cytogenetic location: 2p23.3.
Variant type: single nucleotide variant.
Coding change: c.4335T>C on transcript NM_015662.3 (MANE Select); coding-DNA position 4335, T replaced by C.
Protein change: p.Tyr1445=; no amino-acid change (tyrosine 1445 retained).
Molecular consequence: synonymous variant.
Genome position (GRCh38, 1-based): chr2:27,449,008, A>G on the plus strand (T>C on the coding strand, the complement: IFT172 is on the minus strand). VCF-style: chr2-27449008-A-G. GRCh37 (hg19) VCF-style: chr2-27671875-A-G.
Other names: c.4269T>C, p.Tyr1423= (NM_001410739.1).
Identifiers: ClinVar variation 2650768 (VCV002650768.24), dbSNP rs773183982, ClinGen allele CA1579637.

ClinVar aggregate classification (germline): Likely benign (1 of 4 stars; one submission).

Allele frequency attached by ClinVar (database versions not stated): gnomAD exomes 0.00001; ExAC 0.00002.
gnomAD v4.1: 10 of 1,606,760 alleles (0.00062%); highest among the groups gnomAD compares: Non-Finnish European, 0.00077%; no homozygotes.

Submission:

CeGaT Center for Human Genetics Tuebingen
Classification: Likely benign. Last evaluated: 2022-08-01. Review status: criteria provided, single submitter. Criteria: CeGaT Center For Human Genetics Tuebingen Variant Classification Criteria Version 2. Collection method: clinical testing. Allele origin: germline. Affected: yes. Observed: 1 variant allele.
Comment: IFT172: BP4, BP7